The following is an entry in ClinVar:

ClinVar aggregate classification (germline): Uncertain significance (1 of 4 stars; one submission).

Submission:

GeneDx
Classification: Uncertain significance. Last evaluated: 2024-04-23. Review status: criteria provided, single submitter. Criteria: GeneDx Variant Classification Process June 2021. Collection method: clinical testing. Allele origin: germline. Affected: yes.
Comment: Not observed at significant frequency in large population cohorts (gnomAD); In silico analysis indicates that this missense variant does not alter protein structure/function; Has not been previously published as pathogenic or benign to our knowledge; Reported using an alternate transcript of the gene

NM_001198533.2(OXR1):c.221-21196A>G

Genes: OXR1 (oxidation resistance 1; plus strand), LOC130000962 (ATAC-STARR-seq lymphoblastoid silent region 19465; plus strand). Cytogenetic location: 8q23.1.
Variant type: single nucleotide variant.
Coding change: c.221-21196A>G on transcript NM_001198533.2 (MANE Select); 21196 bases into the intron before coding-DNA position 221, A replaced by G.
Molecular consequence: intron variant. On other transcripts: missense variant (1).
Genome position (GRCh38, 1-based): chr8:106,658,014, A>G. VCF-style: chr8-106658014-A-G. GRCh37 (hg19) VCF-style: chr8-107670242-A-G.
Other names: c.224-21196A>G (NM_001198532.1); c.28A>G, p.Lys10Glu (NM_181354.4); c.221-21196A>G (NM_018002.3); short protein forms K10E.
Identifiers: ClinVar variation 3372527 (VCV003372527.1).